The following is an entry in ClinVar:

ClinVar aggregate classification (germline): Conflicting classifications of pathogenicity. Review status: criteria provided, conflicting classifications (1 of 4 stars). 2 submissions from 2 submitters: Uncertain significance (1); Likely benign (1). Last evaluated 2022-06-01.

Conditions:
Holoprosencephaly 11 (HPE11). Identifiers: Orphanet 2162, MedGen C3280215, MONDO:0013642, OMIM 614226.

Allele frequency attached by ClinVar (database versions not stated): 1000 Genomes Project 30x 0.00078; 1000 Genomes Project 0.00100; gnomAD 0.00006 and 0.00013; gnomAD exomes 0.00008 and 0.00016; ExAC 0.00012; TOPMed 0.00012.

Submissions (2):

Labcorp Genetics (formerly Invitae), Labcorp
Classification: Uncertain significance for Holoprosencephaly 11. Last evaluated: 2022-06-01. Review status: criteria provided, single submitter. Criteria: Invitae Variant Classification Sherloc (09022015). Collection method: clinical testing. Allele origin: germline.
Comment: This sequence change replaces aspartic acid, which is acidic and polar, with asparagine, which is neutral and polar, at codon 1192 of the CDON protein (p.Asp1192Asn). This variant is present in population databases (rs181749265, gnomAD 0.2%). This variant has not been reported in the literature in individuals affected with CDON-related conditions. ClinVar contains an entry for this variant (Variation ID: 878773). Algorithms developed to predict the effect of missense changes on protein structure and function are either unavailable or do not agree on the potential impact of this missense change (SIFT: "Deleterious"; PolyPhen-2: "Possibly Damaging"; Align-GVGD: "Class C0"). In summary, the available evidence is currently insufficient to determine the role of this variant in disease. Therefore, it has been classified as a Variant of Uncertain Significance.

Illumina Laboratory Services, Illumina
Classification: Likely benign for Holoprosencephaly 11. Last evaluated: 2018-01-13. Review status: criteria provided, single submitter. Criteria: ICSL Variant Classification Criteria 13 December 2019. Collection method: clinical testing. Allele origin: germline.
Comment: This variant was observed in the ICSL laboratory as part of a predisposition screen in an ostensibly healthy population. It had not been previously curated by ICSL or reported in the Human Gene Mutation Database (HGMD: prior to June 1st, 2018), and was therefore a candidate for classification through an automated scoring system. Utilizing variant allele frequency, disease prevalence and penetrance estimates, and inheritance mode, an automated score was calculated to assess if this variant is too frequent to cause the disease. Based on the score and internal cut-off values, a variant classified as likely benign is not then subjected to further curation. The score for this variant resulted in a classification of likely benign for this disease.

NM_001378964.1(CDON):c.3574G>A (p.Asp1192Asn)

Gene: CDON (cell adhesion associated, oncogene regulated; minus strand). Cytogenetic location: 11q24.2.
Variant type: single nucleotide variant.
Coding change: c.3574G>A on transcript NM_001378964.1 (MANE Select); coding-DNA position 3574, G replaced by A.
Protein change: p.Asp1192Asn; replaces aspartic acid 1192 with asparagine.
Molecular consequence: missense variant.
Genome position (GRCh38, 1-based): chr11:125,961,781, C>T on the plus strand (G>A on the coding strand, the complement: CDON is on the minus strand). VCF-style: chr11-125961781-C-T. GRCh37 (hg19) VCF-style: chr11-125831676-C-T.
Other names: c.3574G>A, p.Asp1192Asn (NM_001243597.3, NM_016952.6); short protein forms D1192N.
Identifiers: ClinVar variation 878773 (VCV000878773.8), dbSNP rs181749265, ClinGen allele CA6351375.
Genomic context (GRCh38, chr11:125,961,781, plus strand): 5'-GACCTCTGCTGAACTCTGCTGGATCTTCTGAGCCATCAGAGCTGACGTCATTTACAATGT[C>T]CTGACAGCAGGTACGCTGAGTAGGGACTGGTTCCACATTGTCCTTGACGCTCTCCTCCGG-3'
Protein context (NP_001365893.1, residues 1182-1202): PVPTQRTCCQ[Asp1192Asn]IVNDVSSDGS